The following is an entry in ClinVar:

ClinVar aggregate classification (germline): Likely pathogenic (1 of 4 stars; one submission).

Conditions:
Dilated cardiomyopathy 1G (CMD1G). Identifiers: Orphanet 154, MedGen C1858763, MONDO:0011400, OMIM 604145.
Autosomal recessive limb-girdle muscular dystrophy type 2J (LGMDR10). Also called: Limb-girdle muscular dystrophy, type 2J; MUSCULAR DYSTROPHY, LIMB-GIRDLE, AUTOSOMAL RECESSIVE 10. Identifiers: Orphanet 140922, MedGen C1837342, MONDO:0012127, OMIM 608807.

Submission:

Labcorp Genetics (formerly Invitae), Labcorp
Classification: Likely pathogenic for Dilated cardiomyopathy 1G; Autosomal recessive limb-girdle muscular dystrophy type 2J. Last evaluated: 2022-09-01. Review status: criteria provided, single submitter. Criteria: Invitae Variant Classification Sherloc (09022015). Collection method: clinical testing. Allele origin: germline.
Comment: In summary, the currently available evidence indicates that the variant is pathogenic, but additional data are needed to prove that conclusively. Therefore, this variant has been classified as Likely Pathogenic. This variant is located in the A band of TTN (PMID: 25589632). Truncating variants in this region are significantly overrepresented in patients affected with dilated cardiomyopathy (PMID: 25589632). Truncating variants in this region have also been reported in individuals affected with autosomal recessive centronuclear myopathy (PMID: 23975875). This variant has not been reported in the literature in individuals affected with TTN-related conditions. This variant is not present in population databases (gnomAD no frequency). This sequence change creates a premature translational stop signal (p.Asn26667Thrfs*10) in the TTN gene. While this is not anticipated to result in nonsense mediated decay, it is expected to create a truncated TTN protein.

Literature cited by the submitters: PubMed 25589632; PubMed 23975875.

NM_001267550.2(TTN):c.80000del (p.Asn26667fs)

Genes: TTN (titin; minus strand), TTN-AS1 (TTN antisense RNA 1; plus strand). Cytogenetic location: 2q31.2.
Variant type: Deletion.
Coding change: c.80000del on transcript NM_001267550.2 (MANE Select); coding-DNA position 80000, one base deleted (A; older notation c.80000delA).
Protein change: p.Asn26667fs; shifts the reading frame from asparagine 26667.
Molecular consequence: frameshift variant.
Genome position (GRCh38, 1-based): chr2:178,566,132, T deleted on the plus strand (A on the coding strand, the reverse complement: TTN is on the minus strand); the first of 4 consecutive T bases (chr2:178,566,132-178,566,135); deleting any one gives the same sequence. VCF-style (leftmost placement, unchanged base first): chr2-178566131-GT-G. GRCh37 (hg19) VCF-style: chr2-179430858-GT-G.
Other names: c.75077del, p.Asn25026fs (NM_001256850.1); c.52805del, p.Asn17602fs (NM_003319.4); c.72296del, p.Asn24099fs (NM_133378.4); c.53180del, p.Asn17727fs (NM_133432.3); c.53381del, p.Asn17794fs (NM_133437.4); short protein forms N17602fs, N17727fs, N17794fs, N24099fs, N25026fs, N26667fs.
Identifiers: ClinVar variation 2028426 (VCV002028426.4), dbSNP rs2468273178, ClinGen allele CA2580064574.